The following is an entry in ClinVar:

NM_000075.4(CDK4):c.572A>G (p.Tyr191Cys)

Gene: CDK4 (cyclin dependent kinase 4; minus strand). Cytogenetic location: 12q14.1.
Variant type: single nucleotide variant.
Coding change: c.572A>G on transcript NM_000075.4 (MANE Select); coding-DNA position 572, A replaced by G.
Protein change: p.Tyr191Cys; replaces tyrosine 191 with cysteine.
Molecular consequence: missense variant.
Genome position (GRCh38, 1-based): chr12:57,750,716, T>C on the plus strand (A>G on the coding strand, the complement: CDK4 is on the minus strand). VCF-style: chr12-57750716-T-C. GRCh37 (hg19) VCF-style: chr12-58144499-T-C.
Other names: short protein forms Y191C.
Identifiers: ClinVar variation 935284 (VCV000935284.14), dbSNP rs1955226587, ClinGen allele CA385545835.

ClinVar aggregate classification (germline): Uncertain significance. Review status: criteria provided, multiple submitters, no conflicts (2 of 4 stars). 3 submissions from 3 submitters: Uncertain significance (3). Last evaluated 2022-03-26.

Conditions:
Familial melanoma. Also called: Hereditary melanoma; Hereditary cutaneous melanoma. Identifiers: Orphanet 618, MedGen C1512419, MONDO:0018961.
Hereditary cancer-predisposing syndrome. Also called: Tumor predisposition; Hereditary neoplastic syndrome; Hereditary Cancer Syndrome; Neoplastic Syndromes, Hereditary. Identifiers: Orphanet 140162, MedGen C0027672, MeSH D009386, MONDO:0015356.

Allele frequency attached by ClinVar (database versions not stated): gnomAD exomes below 0.00001.
gnomAD v4.1: 1 of 1,614,082 alleles (0.000062%); highest among the groups gnomAD compares: East Asian, 0.0022%; no homozygotes.

Submissions (3):

Ambry Genetics
Classification: Uncertain significance for Hereditary cancer-predisposing syndrome. Last evaluated: 2022-03-26. Review status: criteria provided, single submitter. Criteria: Ambry Variant Classification Scheme 2023. Collection method: clinical testing. Allele origin: germline.
Comment: The p.Y191C variant (also known as c.572A>G), located in coding exon 4 of the CDK4 gene, results from an A to G substitution at nucleotide position 572. The tyrosine at codon 191 is replaced by cysteine, an amino acid with highly dissimilar properties. This amino acid position is highly conserved in available vertebrate species. In addition, this alteration is predicted to be deleterious by in silico analysis. Since supporting evidence is limited at this time, the clinical significance of this alteration remains unclear.

Labcorp Genetics (formerly Invitae), Labcorp
Classification: Uncertain significance for Familial melanoma. Last evaluated: 2022-02-01. Review status: criteria provided, single submitter. Criteria: Invitae Variant Classification Sherloc (09022015). Collection method: clinical testing. Allele origin: germline.
Comment: This sequence change replaces tyrosine, which is neutral and polar, with cysteine, which is neutral and slightly polar, at codon 191 of the CDK4 protein (p.Tyr191Cys). This variant is not present in population databases (gnomAD no frequency). This variant has not been reported in the literature in individuals affected with CDK4-related conditions. ClinVar contains an entry for this variant (Variation ID: 935284). Advanced modeling of protein sequence and biophysical properties (such as structural, functional, and spatial information, amino acid conservation, physicochemical variation, residue mobility, and thermodynamic stability) performed at Invitae indicates that this missense variant is expected to disrupt CDK4 protein function. In summary, the available evidence is currently insufficient to determine the role of this variant in disease. Therefore, it has been classified as a Variant of Uncertain Significance.

Institute for Clinical Genetics, University Hospital TU Dresden, University Hospital TU Dresden
Classification: Uncertain significance. Last evaluated: 2021-11-03. Review status: criteria provided, single submitter. Criteria: ACMG Guidelines, 2015. Collection method: clinical testing. Allele origin: germline.